The following is an entry in ClinVar:

ClinVar aggregate classification (germline): Uncertain significance (1 of 4 stars; one submission).

Conditions:
Fanconi anemia complementation group J. Also called: BRIP1-Related Fanconi Anemia. Identifiers: Orphanet 84, MedGen C1836860, MONDO:0012187, OMIM 609054.
Familial cancer of breast. Also called: BREAST CANCER, FAMILIAL; Hereditary breast cancer; hereditary breast carcinoma. Identifiers: Orphanet 227535, MedGen C0346153, MONDO:0016419, OMIM 114480. Disease mechanism: loss of function.

Submission:

Labcorp Genetics (formerly Invitae), Labcorp
Classification: Uncertain significance for Familial cancer of breast; Fanconi anemia complementation group J. Last evaluated: 2024-07-01. Review status: criteria provided, single submitter. Criteria: Invitae Variant Classification Sherloc (09022015). Collection method: clinical testing. Allele origin: germline.
Comment: This sequence change replaces phenylalanine, which is neutral and non-polar, with serine, which is neutral and polar, at codon 1049 of the BRIP1 protein (p.Phe1049Ser). This variant is not present in population databases (gnomAD no frequency). This variant has not been reported in the literature in individuals affected with BRIP1-related conditions. An algorithm developed to predict the effect of missense changes on protein structure and function (PolyPhen-2) suggests that this variant is likely to be tolerated. In summary, the available evidence is currently insufficient to determine the role of this variant in disease. Therefore, it has been classified as a Variant of Uncertain Significance.

NM_032043.3(BRIP1):c.3146T>C (p.Phe1049Ser)

Gene: BRIP1 (BRCA1 interacting DNA helicase 1; minus strand). Cytogenetic location: 17q23.2.
Variant type: single nucleotide variant.
Coding change: c.3146T>C on transcript NM_032043.3 (MANE Select); coding-DNA position 3146, T replaced by C.
Protein change: p.Phe1049Ser; replaces phenylalanine 1049 with serine.
Molecular consequence: missense variant.
Genome position (GRCh38, 1-based): chr17:61,683,900, A>G on the plus strand (T>C on the coding strand, the complement: BRIP1 is on the minus strand). VCF-style: chr17-61683900-A-G. GRCh37 (hg19) VCF-style: chr17-59761261-A-G.
Other names: short protein forms F1049S.
Identifiers: ClinVar variation 3757081 (VCV003757081.2).